The following is an entry in ClinVar:

NM_001378454.1(ALMS1):c.8160C>T (p.His2720=)

Gene: ALMS1 (ALMS1 centrosome and basal body associated protein; plus strand). Cytogenetic location: 2p13.1.
Variant type: single nucleotide variant.
Coding change: c.8160C>T on transcript NM_001378454.1 (MANE Select); coding-DNA position 8160, C replaced by T.
Protein change: p.His2720=; no amino-acid change (histidine 2720 retained).
Molecular consequence: synonymous variant.
Genome position (GRCh38, 1-based): chr2:73,490,119, C>T. VCF-style: chr2-73490119-C-T. GRCh37 (hg19) VCF-style: chr2-73717246-C-T.
Other names: c.8157C>T (NM_015120.4); c.8163C>T, p.His2721= (NM_015120.4).
Identifiers: ClinVar variation 666653 (VCV000666653.4), dbSNP rs992844961, ClinGen allele CA50378141.

ClinVar aggregate classification (germline): Likely benign (1 of 4 stars; one submission).

Allele frequency attached by ClinVar (database versions not stated): gnomAD exomes below 0.00001.
gnomAD v4.1: 1 of 1,614,146 alleles (0.000062%); highest among the groups gnomAD compares: Non-Finnish European, 0.000085%; no homozygotes.

Submission:

Laboratory for Molecular Medicine, Mass General Brigham Personalized Medicine
Classification: Likely benign. Last evaluated: 2018-09-12. Review status: criteria provided, single submitter. Criteria: LMM Criteria. Collection method: clinical testing. Allele origin: germline. Observed: 1 variant allele.
Comment: The p.His2721His variant in ALMS1 is classified as likely benign because it does not alter an amino acid residue, it is not located within the splice consensus sequence, and splice prediction algorithms do not predict a newly created splice site. ACMG/AMP Criteria applied: BP4, BP7.